The following is an entry in ClinVar:

ClinVar aggregate classification (germline): Likely benign. Review status: criteria provided, single submitter (1 of 4 stars). 2 submissions from 2 submitters: Likely benign (1). 1 of the submissions does not count toward it. Last evaluated 2024-08-21.

Conditions:
CDC6-related disorder. Also called: CDC6-related condition.

Allele frequency attached by ClinVar (database versions not stated): ExAC 0.00001; TOPMed 0.00004; gnomAD 0.00006; gnomAD exomes 0.00009.
gnomAD v4.1: 135 of 1,614,004 alleles (0.0084%); highest among the groups gnomAD compares: Non-Finnish European, 0.011%; no homozygotes.

Submissions (2):

Labcorp Genetics (formerly Invitae), Labcorp
Classification: Likely benign. Last evaluated: 2024-08-21. Review status: criteria provided, single submitter. Criteria: Invitae Variant Classification Sherloc (09022015). Collection method: clinical testing. Allele origin: germline.

PreventionGenetics, part of Exact Sciences
Classification: Likely benign for CDC6-related condition. Last evaluated: 2019-06-24. Review status: no assertion criteria provided. Collection method: clinical testing. Allele origin: germline. Not counted in ClinVar's aggregate classification.
Comment: This variant is classified as likely benign based on ACMG/AMP sequence variant interpretation guidelines (Richards et al. 2015 PMID: 25741868, with internal and published modifications).

NM_001254.4(CDC6):c.246G>A (p.Glu82=)

Gene: CDC6 (cell division cycle 6; plus strand). Cytogenetic location: 17q21.2.
Variant type: single nucleotide variant.
Coding change: c.246G>A on transcript NM_001254.4 (MANE Select); coding-DNA position 246, G replaced by A.
Protein change: p.Glu82=; no amino-acid change (glutamic acid 82 retained).
Molecular consequence: synonymous variant.
Genome position (GRCh38, 1-based): chr17:40,291,125, G>A. VCF-style: chr17-40291125-G-A. GRCh37 (hg19) VCF-style: chr17-38447377-G-A.
Other names: c.246G>A (NM_001254.3).
Identifiers: ClinVar variation 2177973 (VCV002177973.6), dbSNP rs748118305, ClinGen allele CA8541844.